The following is an entry in ClinVar:

NM_000053.4(ATP7B):c.4017del (p.Ala1340fs)

Gene: ATP7B (ATPase copper transporting beta; minus strand). Cytogenetic location: 13q14.3.
Variant type: Deletion.
Coding change: c.4017del on transcript NM_000053.4 (MANE Select); coding-DNA position 4017, one base deleted (A; older notation c.4017delA).
Protein change: p.Ala1340fs; shifts the reading frame from alanine 1340.
Molecular consequence: frameshift variant.
Genome position (GRCh38, 1-based): chr13:51,937,280, T deleted on the plus strand (A on the coding strand, the reverse complement: ATP7B is on the minus strand). VCF-style (leftmost placement, unchanged base first): chr13-51937279-CT-C. GRCh37 (hg19) VCF-style: chr13-52511415-CT-C.
Other names: c.3525del, p.Ala1176fs (NM_001406543.1); c.3435del, p.Ala1146fs (NM_001406544.1); c.3369del, p.Ala1124fs (NM_001406545.1); c.3336del, p.Ala1113fs (NM_001406546.1); c.3174del, p.Ala1059fs (NM_001406547.1); c.2727del, p.Ala910fs (NM_001406548.1); c.3396del, p.Ala1133fs (NM_001005918.3); c.3684del, p.Ala1229fs (NM_001243182.2); and 21 more; short protein forms A1059fs, A1113fs, A1124fs, A1133fs, A1146fs, A1176fs, A1178fs, A1191fs.
Identifiers: ClinVar variation 4815532 (VCV004815532.1).

ClinVar aggregate classification (germline): Likely pathogenic (1 of 4 stars; one submission).

Conditions:
Wilson disease (WND). Also called: Wilson's disease. Identifiers: Orphanet 905, MedGen C0019202, MONDO:0010200, OMIM 277900. Disease mechanism: loss of function.

Submission:

Natera, Inc.
Classification: Likely pathogenic for Wilson disease. Last evaluated: 2025-07-22. Review status: criteria provided, single submitter. Criteria: Natera Variant Classification Schema (03/2026). Collection method: clinical testing. Allele origin: germline.
Comment: The c.4017del variant in ATP7B is a frameshift variant predicted to shift the reading frame beginning at codon 1340 and leads to a stop codon 53 codons downstream. This variant is expected to result in nonsense mediated decay, truncation, or a dysfunctional protein product. This variant is rare in the general population with a frequency below the threshold expected for the associated phenotype(s). Given the available evidence, this variant is classified as Likely Pathogenic.